The following is an entry in ClinVar:

NM_001042492.3(NF1):c.3671C>T (p.Ala1224Val)

Gene: NF1 (neurofibromin 1; plus strand). Cytogenetic location: 17q11.2.
Variant type: single nucleotide variant.
Coding change: c.3671C>T on transcript NM_001042492.3 (MANE Select); coding-DNA position 3671, C replaced by T.
Protein change: p.Ala1224Val; replaces alanine 1224 with valine.
Molecular consequence: missense variant.
Genome position (GRCh38, 1-based): chr17:31,233,176, C>T. VCF-style: chr17-31233176-C-T. GRCh37 (hg19) VCF-style: chr17-29560194-C-T.
Other names: c.3671C>T, p.Ala1224Val (NM_000267.4); short protein forms A1224V.
Identifiers: ClinVar variation 404551 (VCV000404551.19), dbSNP rs1060500340, ClinGen allele CA16615635.

ClinVar aggregate classification (germline): Conflicting classifications of pathogenicity. Review status: criteria provided, conflicting classifications (1 of 4 stars). 6 submissions from 6 submitters: Uncertain significance (4); Benign (1); Likely benign (1). Last evaluated 2026-01-21.

Conditions:
Hereditary cancer-predisposing syndrome. Also called: Tumor predisposition; Neoplastic Syndromes, Hereditary; Hereditary Cancer Syndrome; Hereditary neoplastic syndrome. Identifiers: Orphanet 140162, MedGen C0027672, MeSH D009386, MONDO:0015356.
Cardiovascular phenotype. Identifiers: MedGen CN230736.
Ovarian cancer. Also called: OVARIAN CANCER, SOMATIC. Identifiers: Orphanet 213500, MedGen C1140680, MONDO:0008170, OMIM 167000.
Juvenile myelomonocytic leukemia (JMML). Also called: LEUKEMIA, JUVENILE MYELOMONOCYTIC, SOMATIC. Identifiers: Orphanet 86834, MedGen C0349639, MONDO:0011908, OMIM 607785, HP:0012209.
Neurofibromatosis, type 1 (NF1). Also called: Neurofibromatosis, type I; NEUROFIBROMATOSIS, TYPE I, SOMATIC; Peripheral type neurofibromatosis; VON RECKLINGHAUSEN DISEASE. Identifiers: Orphanet 636, MedGen C0027831, MONDO:0018975, OMIM 162200. Disease mechanism: loss of function.

Allele frequency attached by ClinVar (database versions not stated): gnomAD exomes below 0.00001; TOPMed 0.00001.
gnomAD v4.1: 2 of 1,614,048 alleles (0.00012%); highest among the groups gnomAD compares: South Asian, 0.0011%; no homozygotes.

Submissions (6):

Labcorp Genetics (formerly Invitae), Labcorp
Classification: Likely benign for Neurofibromatosis, type 1. Last evaluated: 2026-01-21. Review status: criteria provided, single submitter. Criteria: Invitae Variant Classification Sherloc (09022015). Collection method: clinical testing. Allele origin: germline.

Baylor Genetics
Classification: Uncertain significance for Juvenile myelomonocytic leukemia. Last evaluated: 2023-09-15. Review status: criteria provided, single submitter. Criteria: ACMG Guidelines, 2015. Collection method: clinical testing. Allele origin: unknown.

GeneDx
Classification: Uncertain significance. Last evaluated: 2023-08-11. Review status: criteria provided, single submitter. Criteria: GeneDx Variant Classification Process June 2021. Collection method: clinical testing. Allele origin: germline. Affected: yes.
Comment: Not observed at significant frequency in large population cohorts (gnomAD); In silico analysis supports that this missense variant has a deleterious effect on protein structure/function; This variant is associated with the following publications: (PMID: 25486365, 22807134, 36243179, 33471991, 30287823, 31588418, 30977107)

Genome-Nilou Lab
Classification: Uncertain significance for Neurofibromatosis, type 1. Last evaluated: 2022-03-15. Review status: criteria provided, single submitter. Criteria: ACMG Guidelines, 2015. Collection method: clinical testing. Allele origin: germline. Affected: no.

Laboratory of Molecular Epidemiology of Birth Defects, West China Second University Hospital, Sichuan University
Classification: Benign for Ovarian cancer. Last evaluated: 2022-01-01. Review status: criteria provided, single submitter. Criteria: ACMG Guidelines, 2015. Collection method: clinical testing. Allele origin: germline. Affected: yes.

Ambry Genetics
Classification: Uncertain significance for Cardiovascular phenotype; Hereditary cancer-predisposing syndrome. Last evaluated: 2019-04-28. Review status: criteria provided, single submitter. Criteria: Ambry Variant Classification Scheme 2023. Collection method: clinical testing. Allele origin: germline.